The following is an entry in ClinVar:

ClinVar aggregate classification (germline): Conflicting classifications of pathogenicity. Review status: criteria provided, conflicting classifications (1 of 4 stars). 11 submissions from 11 submitters: Likely pathogenic (7); Uncertain significance (3). 1 of the submissions does not count toward it. Last evaluated 2026-09-18.

Conditions:
Tuberous sclerosis 2 (TSC2). Identifiers: Orphanet 805, MedGen C1860707, MONDO:0013199, OMIM 613254.
Lymphangiomyomatosis (LAM). Also called: Lymphangioleiomyomatosis, somatic; Lymphangioleiomyomatosis. Identifiers: Orphanet 538, MedGen C0751674, MONDO:0011705, OMIM 606690.
Isolated focal cortical dysplasia type II (FCORD2). Also called: CORTICAL DYSPLASIA OF TAYLOR; Focal cortical dysplasia type II. Identifiers: Orphanet 268994, MedGen C1846385, MONDO:0011818, OMIM 607341, HP:0032051.
TSC2-related disorder. Also called: TSC2-related condition; TSC2-Related Disorders.
Hereditary cancer-predisposing syndrome. Also called: Hereditary neoplastic syndrome; Neoplastic Syndromes, Hereditary; Hereditary Cancer Syndrome; Tumor predisposition. Identifiers: Orphanet 140162, MedGen C0027672, MeSH D009386, MONDO:0015356.
Tuberous sclerosis syndrome (TSC). Also called: Tuberous Sclerosis Complex; Tuberous sclerosis. Identifiers: Orphanet 805, MedGen C0041341, MONDO:0001734.

Allele frequency attached by ClinVar (database versions not stated): gnomAD exomes below 0.00001.
gnomAD v4.1: 2 of 1,600,810 alleles (0.00012%); highest among the groups gnomAD compares: Admixed American, 0.0017%; no homozygotes.

Submissions (11):

GeneDx
Classification: Likely pathogenic. Last evaluated: 2026-09-18. Review status: criteria provided, single submitter. Criteria: GeneDx Variant Classification Process June 2021. Collection method: clinical testing. Allele origin: germline.
Comment: Previously reported in a newborn with cardiac rhabdomyomas; the mother had a history of epilepsy and renal hypoplasia, however it was unclear if she also harbored the variant (PMID: 31291687); Unpublished functional studies demonstrate reduced activity of TSC complex and a significant increase in the T389/S6K ratio compared to WT TSC2 (TSC2-LOVD); In silico analysis supports that this missense variant has a deleterious effect on protein structure/function; This variant is associated with the following publications: (PMID: 30986793, 23514105, 31291687, 18466115, 39502218, 38806662)

Ambry Genetics
Classification: Likely pathogenic for Hereditary cancer-predisposing syndrome. Last evaluated: 2025-09-15. Review status: criteria provided, single submitter. Criteria: Ambry Variant Classification Scheme 2023. Collection method: clinical testing. Allele origin: germline.
Comment: The p.W304R variant (also known as c.910T>C), located in coding exon 9 of the TSC2 gene, results from a T to C substitution at nucleotide position 910. The tryptophan at codon 304 is replaced by arginine, an amino acid with dissimilar properties. This variant was detected in a patient with a cardiac tumor, supraventricular tachycardia, and a hidden accessory pathway (Mariscal-Mendiz&aacute;bal LF et al. Prenat Diagn, 2019 Oct;39:998-1004). This variant was reported in individuals with features consistent with Tuberous sclerosis complex (Ambry internal data, external communication).This amino acid position is highly conserved in available vertebrate species. In addition, this alteration is predicted to be deleterious by in silico analysis. This variant is considered to be rare based on population cohorts in the Genome Aggregation Database (gnomAD). Based on the majority of available evidence to date, this variant is likely to be pathogenic.

Athena Diagnostics
Classification: Likely pathogenic. Last evaluated: 2025-08-06. Review status: criteria provided, single submitter. Criteria: Athena Diagnostics Criteria. Collection method: clinical testing. Allele origin: unknown.
Comment: The frequency of this variant in the general population is consistent with pathogenicity. This variant has been identified in at least one individual with clinical features associated with this gene. Assessment of experimental evidence suggests this variant results in abnormal protein function. (personal communication related to LOVD BD-ID: TSC2_001152)

Myriad Genetics, Inc.
Classification: Likely pathogenic for Tuberous sclerosis 2. Last evaluated: 2025-06-27. Review status: criteria provided, single submitter. Criteria: Myriad Autosomal Dominant, Autosomal Recessive and X-Linked Classification Criteria (2023). Collection method: clinical testing. Allele origin: unknown.
Comment: This variant is considered likely pathogenic. This variant has been reported in multiple individuals with clinical features of gene-specific disease [PMID: 38806662, 31291687, 39502218, 30986793; external communications 2025]. This variant is expected to disrupt protein structure [Myriad internal data].

Labcorp Genetics (formerly Invitae), Labcorp
Classification: Likely pathogenic for Tuberous sclerosis 2. Last evaluated: 2024-08-15. Review status: criteria provided, single submitter. Criteria: Invitae Variant Classification Sherloc (09022015). Collection method: clinical testing. Allele origin: germline.
Comment: This sequence change replaces tryptophan, which is neutral and slightly polar, with arginine, which is basic and polar, at codon 304 of the TSC2 protein (p.Trp304Arg). This variant is present in population databases (rs397515108, gnomAD 0.003%). This missense change has been observed in individuals with clinical features of tuberous sclerosis complex (PMID: 21520333, 31291687; Invitae). ClinVar contains an entry for this variant (Variation ID: 65143). Invitae Evidence Modeling of protein sequence and biophysical properties (such as structural, functional, and spatial information, amino acid conservation, physicochemical variation, residue mobility, and thermodynamic stability) has been performed for this missense variant. However, the output from this modeling did not meet the statistical confidence thresholds required to predict the impact of this variant on TSC2 protein function. In summary, the currently available evidence indicates that the variant is pathogenic, but additional data are needed to prove that conclusively. Therefore, this variant has been classified as Likely Pathogenic.

Quest Diagnostics Nichols Institute San Juan Capistrano
Classification: Likely pathogenic. Last evaluated: 2024-03-11. Review status: criteria provided, single submitter. Criteria: Quest Diagnostics criteria. Collection method: clinical testing. Allele origin: unknown.
Comment: The TSC2 c.910T>C (p.Trp304Arg) variant has been reported in the published literature in individuals with tuberous sclerosis complex (TSC) or a TSC associated phenotype (PMID: 31291687 (2019), Prevention Genetics and Invitae personal communication regarding ClinVar 65143)). This variant has also been identified in an individual with renal cell carcinoma (PMID: 30986793 (2019)). In addition, this variant has been reported to reduce the activity of the TSC complex (personal communication related to LOVD BD-ID: TSC2_001152). The frequency of this variant in the general population, 0.0000044 (1/227094 chromosomes (Genome Aggregation Database)), is uninformative in the assessment of its pathogenicity. Analysis of this variant using bioinformatics tools for the prediction of the effect of amino acid changes on protein structure and function yielded predictions that this variant is damaging. Based on the available information, this variant is classified as likely pathogenic.

All of Us Research Program, National Institutes of Health
Classification: Uncertain significance for Tuberous sclerosis syndrome. Last evaluated: 2023-12-18. Review status: criteria provided, single submitter. Criteria: ACMG Guidelines, 2015. Collection method: clinical testing. Allele origin: germline. Inheritance: Autosomal dominant inheritance. Observed: 1 variant allele, 1 heterozygote.
Comment: This missense variant replaces tryptophan with arginine at codon 304 of the TSC2 protein. Computational prediction suggests that this variant may have deleterious impact on protein structure and function (internally defined REVEL score threshold >= 0.7, PMID: 27666373). To our knowledge, functional studies have not been published for this variant in the literature, however unpublished results have suggested this variant reduces the activity of the TSC complex (LOVD:TSC2_001152). This variant has been reported in one individual affected with a pre-natal cardiac rhabdomyoma (PMID: 31291687). This variant has also been observed to co-segregate with tuberosclerosis in a mother and three offspring (ClinVar, SCV004109101.1). This variant has been identified in 1/227094 chromosomes in the general population by the Genome Aggregation Database (gnomAD). The available evidence is insufficient to determine the role of this variant in disease conclusively. Therefore, this variant is classified as a Variant of Uncertain Significance.

This study involves interpretation of variants in research participants for the purpose of population health screening. Participant phenotype was not available at the time of variant classification. Additional details can be found in publication PMID: 35346344, PMCID: PMC8962531

PreventionGenetics, part of Exact Sciences
Classification: Likely pathogenic for TSC2-related condition. Last evaluated: 2023-01-20. Review status: criteria provided, single submitter. Criteria: ACMG Guidelines, 2015. Collection method: clinical testing. Allele origin: germline.
Comment: The TSC2 c.910T>C variant is predicted to result in the amino acid substitution p.Trp304Arg. This variant has been reported prenatally in a fetus with cardiac rhabdomyoma and supraventricular tachycardia (Table 1, Mariscal-Mendizábal et al. 2019. PubMed ID: 31291687). The mother had a personal history of epilepsy and renal hypoplasia but was not tested for the variant. This variant is reported in the Lieden Open Variation Database (LOVD) database, which cites unpublished in vitro experimental data suggesting this variant impacts protein function (Database ID: TSC2_001152; Fokkema et al. 2011. PubMed ID: 21520333). This variant has also been reported in a renal cell carcinoma specimen from an individual with suspected tuberous sclerosis complex (TSC; Table 2, Parilla et al. 2019. PubMed ID: 30986793). At PreventionGenetics, this variant has been observed to co segregate with TSC in a mother and three offspring (Internal Data, PreventionGenetics). Of note, the variant was absent in a fourth unaffected offspring. This variant is reported in 1 of ~223,000 alleles in gnomAD. It has conflicting interpretations of likely pathogenic and uncertain significance in ClinVar. This variant is interpreted as likely pathogenic.

Genome-Nilou Lab
Classification: Uncertain significance for Tuberous sclerosis 2. Last evaluated: 2021-11-07. Review status: criteria provided, single submitter. Criteria: ACMG Guidelines, 2015. Collection method: clinical testing. Allele origin: germline. Affected: no.

Center for Genomics, Ann and Robert H. Lurie Children's Hospital of Chicago
Classification: Uncertain significance for Lymphangiomyomatosis; Isolated focal cortical dysplasia type II; Tuberous sclerosis 2. Review status: criteria provided, single submitter. Criteria: ACMG Guidelines, 2015. Collection method: clinical testing. Allele origin: germline.
Comment: TSC2 NM_000548.4 exon 10 p.Trp304Arg (c.910T>C): This variant has been reported in the literature in one individual with a cardiac rhabdomyoma and has been reported in the LOVD TSC2 datavase (Mariscal-MendizÃ¡bal 2019 PMID:31291687). This variant is not present in large control databases but is present in ClinVar (Variation ID:65143). Evolutionary conservation and computational predictive tools suggest that this variant may impact the protein. In summary, data on this variant is insufficient for disease classification. Therefore, the clinical significance of this variant is uncertain

Tuberous sclerosis database (TSC2)
No classification provided. Condition: TSC. Review status: no classification provided. Criteria: Tuberous Sclerosis Database Assertion Criteria 2015. Collection method: curation. Allele origin: germline. Affected: yes. Not counted in ClinVar's aggregate classification.

Literature cited by the submitters: PubMed 31291687 (cited by 6 submitters); PubMed 39502218 (cited by Athena Diagnostics and Myriad Genetics, Inc.); PubMed 38806662 (cited by Athena Diagnostics and Myriad Genetics, Inc.); PubMed 31440721 (cited by Athena Diagnostics); PubMed 30986793 (cited by 3 submitters); PubMed 21520333 (cited by Labcorp Genetics (formerly Invitae), Labcorp).

NM_000548.5(TSC2):c.910T>C (p.Trp304Arg)

Gene: TSC2 (TSC complex subunit 2; plus strand). Cytogenetic location: 16p13.3.
Variant type: single nucleotide variant.
Coding change: c.910T>C on transcript NM_000548.5 (MANE Select); coding-DNA position 910, T replaced by C.
Protein change: p.Trp304Arg; replaces tryptophan 304 with arginine.
Molecular consequence: missense variant.
Genome position (GRCh38, 1-based): chr16:2,058,808, T>C. VCF-style: chr16-2058808-T-C. GRCh37 (hg19) VCF-style: chr16-2108809-T-C.
Other names: c.910T>C (NM_000548.4); c.910T>C, p.Trp304Arg (NM_001077183.3, NM_001114382.3, NM_001363528.2 and 3 more transcripts); c.799T>C, p.Trp267Arg (NM_001318827.2); c.763T>C, p.Trp255Arg (NM_001318829.2); c.310T>C, p.Trp104Arg (NM_001318831.2); c.943T>C, p.Trp315Arg (NM_001318832.2); short protein forms W304R, W315R, W267R, W104R, W255R.
Identifiers: ClinVar variation 65143 (VCV000065143.27), dbSNP rs397515108, ClinGen allele CA023104.
Genomic context (GRCh38, chr16:2,058,808, plus strand): 5'-GCCTACATGGAGGACGCGCCCCTGCTGAGAGGAGCCGTGTTTTTTGTGGGCATGGCTCTC[T>C]GGGGAGCCCACCGGCTCTATTCTCTCAGGAACTCGCCGACATCTGTGTTGCCATCATTTT-3'
Protein context (NP_000539.2, residues 294-314): GAVFFVGMAL[Trp304Arg]GAHRLYSLRN